The following is an entry in ClinVar:

ClinVar aggregate classification (germline): Uncertain significance (1 of 4 stars; one submission).

Conditions:
Amelocerebrohypohidrotic syndrome (KTZS). Also called: EPILEPSY AND YELLOW TEETH; EPILEPSY, DEMENTIA, AND AMELOGENESIS IMPERFECTA; KOHLSCHUTTER SYNDROME; Kohlschutter's syndrome. Identifiers: Orphanet 1946, MedGen C0406740, MONDO:0009185, OMIM 226750.

Allele frequency attached by ClinVar (database versions not stated): gnomAD 0.00001; gnomAD exomes 0.00001.
gnomAD v4.1: 11 of 1,613,470 alleles (0.00068%); highest among the groups gnomAD compares: South Asian, 0.0011%; no homozygotes.

Submission:

Labcorp Genetics (formerly Invitae), Labcorp
Classification: Uncertain significance for Amelocerebrohypohidrotic syndrome. Last evaluated: 2021-08-26. Review status: criteria provided, single submitter. Criteria: Invitae Variant Classification Sherloc (09022015). Collection method: clinical testing. Allele origin: germline.
Comment: This sequence change replaces valine with methionine at codon 250 of the ROGDI protein (p.Val250Met). The valine residue is highly conserved and there is a small physicochemical difference between valine and methionine. This variant is not present in population databases (ExAC no frequency). This variant has not been reported in the literature in individuals affected with ROGDI-related conditions. Algorithms developed to predict the effect of missense changes on protein structure and function are either unavailable or do not agree on the potential impact of this missense change (SIFT: "Tolerated"; PolyPhen-2: "Possibly Damaging"; Align-GVGD: "Class C0"). In summary, the available evidence is currently insufficient to determine the role of this variant in disease. Therefore, it has been classified as a Variant of Uncertain Significance.

NM_024589.3(ROGDI):c.748G>A (p.Val250Met)

Gene: ROGDI (rogdi atypical leucine zipper; minus strand). Cytogenetic location: 16p13.3.
Variant type: single nucleotide variant.
Coding change: c.748G>A on transcript NM_024589.3 (MANE Select); coding-DNA position 748, G replaced by A.
Protein change: p.Val250Met; replaces valine 250 with methionine.
Molecular consequence: missense variant. On other transcripts: non-coding transcript variant (1).
Genome position (GRCh38, 1-based): chr16:4,797,788, C>T on the plus strand (G>A on the coding strand, the complement: ROGDI is on the minus strand). VCF-style: chr16-4797788-C-T. GRCh37 (hg19) VCF-style: chr16-4847789-C-T.
Other names: short protein forms V250M.
Identifiers: ClinVar variation 1349705 (VCV001349705.5), dbSNP rs749565672, ClinGen allele CA394648800.